The following is an entry in ClinVar:

ClinVar aggregate classification (germline): Uncertain significance (1 of 4 stars; one submission).

Conditions:
Idiopathic generalized epilepsy. Also called: Generalised epilepsy; EIG. Identifiers: MedGen C0270850, MONDO:0005579, OMIM 600669.
Hyperaldosteronism, familial, type IV (HALD4). Also called: FH IV; ALDOSTERONISM, PRIMARY, AND HYPERTENSION. Identifiers: Orphanet 642671, MedGen C4310756, MONDO:0014875, OMIM 617027.

Allele frequency attached by ClinVar (database versions not stated): gnomAD 0.00001; TOPMed 0.00002.

Submission:

Labcorp Genetics (formerly Invitae), Labcorp
Classification: Uncertain significance for Idiopathic generalized epilepsy; Hyperaldosteronism, familial, type IV. Last evaluated: 2023-01-22. Review status: criteria provided, single submitter. Criteria: Invitae Variant Classification Sherloc (09022015). Collection method: clinical testing. Allele origin: germline.
Comment: Advanced modeling of protein sequence and biophysical properties (such as structural, functional, and spatial information, amino acid conservation, physicochemical variation, residue mobility, and thermodynamic stability) performed at Invitae indicates that this missense variant is not expected to disrupt CACNA1H protein function. In summary, the available evidence is currently insufficient to determine the role of this variant in disease. Therefore, it has been classified as a Variant of Uncertain Significance. This variant has not been reported in the literature in individuals affected with CACNA1H-related conditions. This variant is present in population databases (no rsID available, gnomAD 0.01%). This sequence change replaces threonine, which is neutral and polar, with arginine, which is basic and polar, at codon 1733 of the CACNA1H protein (p.Thr1733Arg).

NM_021098.3(CACNA1H):c.5198C>G (p.Thr1733Arg)

Gene: CACNA1H (calcium voltage-gated channel subunit alpha1 H; plus strand). Cytogenetic location: 16p13.3.
Variant type: single nucleotide variant.
Coding change: c.5198C>G on transcript NM_021098.3 (MANE Select); coding-DNA position 5198, C replaced by G.
Protein change: p.Thr1733Arg; replaces threonine 1733 with arginine.
Molecular consequence: missense variant.
Genome position (GRCh38, 1-based): chr16:1,215,547, C>G. VCF-style: chr16-1215547-C-G. GRCh37 (hg19) VCF-style: chr16-1265547-C-G.
Other names: c.5180C>G, p.Thr1727Arg (NM_001005407.2); short protein forms T1733R, T1727R.
Identifiers: ClinVar variation 2922610 (VCV002922610.3), dbSNP rs764098313, ClinGen allele CA276608476.